The following is an entry in ClinVar:

ClinVar aggregate classification (germline): Conflicting classifications of pathogenicity. Review status: criteria provided, conflicting classifications (1 of 4 stars). 3 submissions from 3 submitters: Uncertain significance (2); Likely benign (1). Last evaluated 2024-08-02.

Conditions:
Inborn genetic diseases. Identifiers: MedGen C0950123, MeSH D030342.

Allele frequency attached by ClinVar (database versions not stated): gnomAD 0.00001; gnomAD exomes 0.00001; TOPMed 0.00001.
gnomAD v4.1: 9 of 1,601,892 alleles (0.00056%); highest among the groups gnomAD compares: Non-Finnish European, 0.00077%; no homozygotes.

Submissions (3):

Labcorp Genetics (formerly Invitae), Labcorp
Classification: Uncertain significance. Last evaluated: 2024-08-02. Review status: criteria provided, single submitter. Criteria: Invitae Variant Classification Sherloc (09022015). Collection method: clinical testing. Allele origin: germline.
Comment: This sequence change replaces serine, which is neutral and polar, with asparagine, which is neutral and polar, at codon 1614 of the KAT6A protein (p.Ser1614Asn). This variant is not present in population databases (gnomAD no frequency). This variant has not been reported in the literature in individuals affected with KAT6A-related conditions. ClinVar contains an entry for this variant (Variation ID: 1331663). Advanced modeling of protein sequence and biophysical properties (such as structural, functional, and spatial information, amino acid conservation, physicochemical variation, residue mobility, and thermodynamic stability) performed at Invitae indicates that this missense variant is not expected to disrupt KAT6A protein function with a negative predictive value of 80%. In summary, the available evidence is currently insufficient to determine the role of this variant in disease. Therefore, it has been classified as a Variant of Uncertain Significance.

Ambry Genetics
Classification: Likely benign for Inborn genetic diseases. Last evaluated: 2022-08-17. Review status: criteria provided, single submitter. Criteria: Ambry Variant Classification Scheme 2023. Collection method: clinical testing. Allele origin: germline.

Greenwood Genetic Center Diagnostic Laboratories, Greenwood Genetic Center
Classification: Uncertain significance. Last evaluated: 2021-01-26. Review status: criteria provided, single submitter. Criteria: ACMG Guidelines, 2015. Collection method: clinical testing. Allele origin: germline. Affected: yes.
Comment: PM2

NM_006766.5(KAT6A):c.4841G>A (p.Ser1614Asn)

Gene: KAT6A (lysine acetyltransferase 6A; minus strand). Cytogenetic location: 8p11.21.
Variant type: single nucleotide variant.
Coding change: c.4841G>A on transcript NM_006766.5 (MANE Select); coding-DNA position 4841, G replaced by A.
Protein change: p.Ser1614Asn; replaces serine 1614 with asparagine.
Molecular consequence: missense variant.
Genome position (GRCh38, 1-based): chr8:41,933,379, C>T on the plus strand (G>A on the coding strand, the complement: KAT6A is on the minus strand). VCF-style: chr8-41933379-C-T. GRCh37 (hg19) VCF-style: chr8-41790897-C-T.
Other names: c.4841G>A (NM_006766.3); short protein forms S1614N.
Identifiers: ClinVar variation 1331663 (VCV001331663.8), dbSNP rs1198819132, ClinGen allele CA371064520.